The following is an entry in ClinVar:

NM_005148.4(UNC119):c.487G>T (p.Glu163Ter)

Gene: UNC119 (unc-119 lipid binding chaperone; minus strand). Cytogenetic location: 17q11.2.
Variant type: single nucleotide variant.
Coding change: c.487G>T on transcript NM_005148.4 (MANE Select); coding-DNA position 487, G replaced by T.
Protein change: p.Glu163Ter; replaces glutamic acid 163 with a stop codon.
Molecular consequence: nonsense.
Genome position (GRCh38, 1-based): chr17:28,547,800, C>A on the plus strand (G>T on the coding strand, the complement: UNC119 is on the minus strand). VCF-style: chr17-28547800-C-A. GRCh37 (hg19) VCF-style: chr17-26874818-C-A.
Other names: c.202G>T, p.Glu68Ter (NM_001330166.2); c.487G>T, p.Glu163Ter (NM_054035.2); short protein forms E68*, E163*.
Identifiers: ClinVar variation 1479318 (VCV001479318.6), dbSNP rs930130211, ClinGen allele CA398330816.

ClinVar aggregate classification (germline): Uncertain significance (1 of 4 stars; one submission).

Allele frequency attached by ClinVar (database versions not stated): gnomAD 0.00001.
gnomAD v4.1: 13 of 1,614,034 alleles (0.00081%); highest among the groups gnomAD compares: Non-Finnish European, 0.00093%; no homozygotes.

Submission:

Labcorp Genetics (formerly Invitae), Labcorp
Classification: Uncertain significance. Last evaluated: 2024-04-05. Review status: criteria provided, single submitter. Criteria: Invitae Variant Classification Sherloc (09022015). Collection method: clinical testing. Allele origin: germline.
Comment: This sequence change creates a premature translational stop signal (p.Glu163*) in the UNC119 gene. It is expected to result in an absent or disrupted protein product. However, the current clinical and genetic evidence is not sufficient to establish whether loss-of-function variants in UNC119 cause disease. This variant is present in population databases (no rsID available, gnomAD 0.002%). This premature translational stop signal has been observed in individual(s) with clinical features of UNC119-related conditions (PMID: 35874679). ClinVar contains an entry for this variant (Variation ID: 1479318). In summary, the available evidence is currently insufficient to determine the role of this variant in disease. Therefore, it has been classified as a Variant of Uncertain Significance.

Literature cited by the submitters: PubMed 35874679.